The following is an entry in ClinVar:

ClinVar aggregate classification (germline): Uncertain significance (1 of 4 stars; one submission).

Conditions:
Hereditary pancreatitis (PCTT). Also called: Hereditary chronic pancreatitis; PRSS1-Related Hereditary Pancreatitis. Identifiers: Orphanet 676, MedGen C0238339, MONDO:0008185, OMIM 167800.

Submission:

Ambry Genetics
Classification: Uncertain significance for Hereditary pancreatitis. Last evaluated: 2023-10-16. Review status: criteria provided, single submitter. Criteria: Ambry Variant Classification Scheme 2023. Collection method: clinical testing. Allele origin: germline.
Comment: The p.D19H variant (also known as c.55G>C), located in coding exon 2 of the PRSS1 gene, results from a G to C substitution at nucleotide position 55. The aspartic acid at codon 19 is replaced by histidine, an amino acid with similar properties. This amino acid position is conserved. In addition, the in silico prediction for this alteration is inconclusive. Since supporting evidence is limited at this time, the clinical significance of this alteration remains unclear.

NM_002769.5(PRSS1):c.55G>C (p.Asp19His)

Genes: PRSS1 (serine protease 1; plus strand), TRB (T cell receptor beta locus; plus strand). Cytogenetic location: 7q34.
Variant type: single nucleotide variant.
Coding change: c.55G>C on transcript NM_002769.5 (MANE Select); coding-DNA position 55, G replaced by C.
Protein change: p.Asp19His; replaces aspartic acid 19 with histidine.
Molecular consequence: missense variant. On other transcripts: non-coding transcript variant (2).
Genome position (GRCh38, 1-based): chr7:142,750,569, G>C. VCF-style: chr7-142750569-G-C. GRCh37 (hg19) VCF-style: chr7-142458420-G-C.
Other names: short protein forms D19H.
Identifiers: ClinVar variation 3222817 (VCV003222817.1), dbSNP rs2485732069, ClinGen allele CA369607045.
Genomic context (GRCh38, chr7:142,750,569, plus strand): 5'-CTAACATGCTATTGACTTGCCTTCTCCCTTCCCATCTCCACTCCAGTTGCTGCCCCCTTT[G>C]ATGATGATGACAAGATCGTTGGGGGCTACAACTGTGAGGAGAATTCTGTCCCCTACCAGG-3'
Protein context (NP_002760.1, residues 9-29): FVAAALAAPF[Asp19His]DDDKIVGGYN